The following is an entry in ClinVar:

NM_020738.4(KIDINS220):c.2294A>G (p.Asn765Ser)

Gene: KIDINS220 (kinase D interacting substrate 220; minus strand). Cytogenetic location: 2p25.1.
Variant type: single nucleotide variant.
Coding change: c.2294A>G on transcript NM_020738.4 (MANE Select); coding-DNA position 2294, A replaced by G.
Protein change: p.Asn765Ser; replaces asparagine 765 with serine.
Molecular consequence: missense variant. On other transcripts: non-coding transcript variant (2).
Genome position (GRCh38, 1-based): chr2:8,779,750, T>C on the plus strand (A>G on the coding strand, the complement: KIDINS220 is on the minus strand). VCF-style: chr2-8779750-T-C. GRCh37 (hg19) VCF-style: chr2-8919880-T-C.
Other names: c.2297A>G, p.Asn766Ser (NM_001348729.2, NM_001348731.2, NM_001348734.2 and 3 more transcripts); c.2294A>G, p.Asn765Ser (NM_001348732.2, NM_001348735.2, NM_001348738.2 and 3 more transcripts); c.2168A>G, p.Asn723Ser (NM_001348736.2); short protein forms N723S, N765S, N766S.
Identifiers: ClinVar variation 1806301 (VCV001806301.1), dbSNP rs2527932620, ClinGen allele CA345760641.

ClinVar aggregate classification (germline): Uncertain significance (1 of 4 stars; one submission).

Conditions:
Spastic paraplegia, intellectual disability, nystagmus, and obesity. Also called: Spastic paraplegia, intellectual disability, nystagmus, and obesity;. Identifiers: Orphanet 521390, MedGen C4284592, MONDO:0015007, OMIM 617296.

Submission:

Victorian Clinical Genetics Services, Murdoch Childrens Research Institute
Classification: Uncertain significance for Spastic paraplegia, intellectual disability, nystagmus, and obesity. Last evaluated: 2020-05-08. Review status: criteria provided, single submitter. Criteria: ACMG Guidelines, 2015. Collection method: clinical testing. Allele origin: germline. Inheritance: Autosomal dominant inheritance.
Comment: Based on the classification scheme VCGS_Germline_v1.1.1, this variant is classified as 3C-VUS. Following criteria are met: 0105 - The mechanism of disease for this gene is not clearly established. (N) 0107 - This gene is known to be associated with autosomal dominant disease. (N) 0200 - Variant is predicted to result in a missense amino acid change from asparagine to serine (exon 18). (N) 0251 - Variant is heterozygous. (N) 0301 - Variant is absent from gnomAD. (P) 0503 - Missense variant consistently predicted to be tolerated or not conserved in mammals with a minor amino acid change. (B) 0600 - Variant is located in an annotated domain or motif (KAP NTPase domain; NCBI, PDB). (N) 0705 - No comparable variants have previous evidence for pathogenicity. (N) 0807 - Variant has not previously been reported in a clinical context. (N) 0905 - No segregation evidence has been identified for this variant. (N) 1007 - No published functional evidence has been identified for this variant. (N) 1208 - Inheritance information for this variant is not currently available. (N) Legend: (P) - Pathogenic, (N) - Neutral, (B) - Benign